The following is an entry in ClinVar:

NM_005560.6(LAMA5):c.4236-7C>T

Gene: LAMA5 (laminin subunit alpha 5; minus strand). Cytogenetic location: 20q13.33.
Variant type: single nucleotide variant.
Coding change: c.4236-7C>T on transcript NM_005560.6 (MANE Select); 7 bases into the intron before coding-DNA position 4236, C replaced by T.
Molecular consequence: intron variant.
Genome position (GRCh38, 1-based): chr20:62,329,062, G>A on the plus strand (C>T on the coding strand, the complement: LAMA5 is on the minus strand). VCF-style: chr20-62329062-G-A. GRCh37 (hg19) VCF-style: chr20-60904118-G-A.
Identifiers: ClinVar variation 3059939 (VCV003059939.2), dbSNP rs771983141, ClinGen allele CA9942663.

ClinVar aggregate classification (germline): Likely benign (0 of 4 stars; one submission).

Conditions:
LAMA5-related disorder. Also called: LAMA5-related condition; LAMA5-Related Disorders.

Allele frequency attached by ClinVar (database versions not stated): gnomAD 0.00001; gnomAD exomes 0.00001; ExAC 0.00002; TOPMed 0.00002.
gnomAD v4.1: 18 of 1,612,558 alleles (0.0011%); highest among the groups gnomAD compares: Non-Finnish European, 0.0014%; no homozygotes.

Submission:

PreventionGenetics, part of Exact Sciences
Classification: Likely benign for LAMA5-related condition. Last evaluated: 2023-09-08. Review status: no assertion criteria provided. Collection method: clinical testing. Allele origin: germline.
Comment: This variant is classified as likely benign based on ACMG/AMP sequence variant interpretation guidelines (Richards et al. 2015 PMID: 25741868, with internal and published modifications).